The following is an entry in ClinVar:

ClinVar aggregate classification (germline): Uncertain significance (1 of 4 stars; one submission).

gnomAD v4.1: 1 of 1,613,998 alleles (0.000062%); highest among the groups gnomAD compares: Non-Finnish European, 0.000085%; no homozygotes.

Submission:

Labcorp Genetics (formerly Invitae), Labcorp
Classification: Uncertain significance. Last evaluated: 2024-03-16. Review status: criteria provided, single submitter. Criteria: Invitae Variant Classification Sherloc (09022015). Collection method: clinical testing. Allele origin: germline.
Comment: This sequence change replaces methionine, which is neutral and non-polar, with isoleucine, which is neutral and non-polar, at codon 766 of the GRIN2D protein (p.Met766Ile). This variant is not present in population databases (gnomAD no frequency). This variant has not been reported in the literature in individuals affected with GRIN2D-related conditions. Advanced modeling of protein sequence and biophysical properties (such as structural, functional, and spatial information, amino acid conservation, physicochemical variation, residue mobility, and thermodynamic stability) performed at Invitae indicates that this missense variant is not expected to disrupt GRIN2D protein function with a negative predictive value of 80%. In summary, the available evidence is currently insufficient to determine the role of this variant in disease. Therefore, it has been classified as a Variant of Uncertain Significance.

NM_000836.4(GRIN2D):c.2298G>A (p.Met766Ile)

Gene: GRIN2D (glutamate ionotropic receptor NMDA type subunit 2D; plus strand). Cytogenetic location: 19q13.33.
Variant type: single nucleotide variant.
Coding change: c.2298G>A on transcript NM_000836.4 (MANE Select); coding-DNA position 2298, G replaced by A.
Protein change: p.Met766Ile; replaces methionine 766 with isoleucine.
Molecular consequence: missense variant.
Genome position (GRCh38, 1-based): chr19:48,441,814, G>A. VCF-style: chr19-48441814-G-A. GRCh37 (hg19) VCF-style: chr19-48945071-G-A.
Other names: short protein forms M766I.
Identifiers: ClinVar variation 3646150 (VCV003646150.2).